The following is an entry in ClinVar:

NM_000553.6(WRN):c.1899-2A>T

Gene: WRN (WRN RecQ like helicase; plus strand). Cytogenetic location: 8p12.
Variant type: single nucleotide variant.
Coding change: c.1899-2A>T on transcript NM_000553.6 (MANE Select); the canonical splice acceptor site of the intron before coding-DNA position 1899, A replaced by T.
Molecular consequence: splice acceptor variant.
Genome position (GRCh38, 1-based): chr8:31,096,766, A>T. VCF-style: chr8-31096766-A-T. GRCh37 (hg19) VCF-style: chr8-30954282-A-T.
Identifiers: ClinVar variation 1501200 (VCV001501200.8), dbSNP rs1175230246, ClinGen allele CA370929504.

ClinVar aggregate classification (germline): Likely pathogenic (1 of 4 stars; one submission).

Conditions:
Werner syndrome (WRN). Identifiers: Orphanet 902, MedGen C0043119, MONDO:0010196, OMIM 277700.

Allele frequency attached by ClinVar (database versions not stated): gnomAD exomes below 0.00001 and 0.00001.

Submission:

Labcorp Genetics (formerly Invitae), Labcorp
Classification: Likely pathogenic for Werner syndrome. Last evaluated: 2024-04-05. Review status: criteria provided, single submitter. Criteria: Invitae Variant Classification Sherloc (09022015). Collection method: clinical testing. Allele origin: germline.
Comment: This sequence change affects an acceptor splice site in intron 16 of the WRN gene. It is expected to disrupt RNA splicing. Variants that disrupt the donor or acceptor splice site typically lead to a loss of protein function (PMID: 16199547), and loss-of-function variants in WRN are known to be pathogenic (PMID: 16673358). This variant is present in population databases (no rsID available, gnomAD 0.002%). This variant has not been reported in the literature in individuals affected with WRN-related conditions. ClinVar contains an entry for this variant (Variation ID: 1501200). Algorithms developed to predict the effect of sequence changes on RNA splicing suggest that this variant may disrupt the consensus splice site. In summary, the currently available evidence indicates that the variant is pathogenic, but additional data are needed to prove that conclusively. Therefore, this variant has been classified as Likely Pathogenic.

Literature cited by the submitters: PubMed 16199547; PubMed 16673358.